The following is an entry in ClinVar:

NM_001130987.2(DYSF):c.3018_3019delinsAA (p.Cys1006_Pro1007delinsTer)

Gene: DYSF (dysferlin; plus strand). Cytogenetic location: 2p13.2.
Variant type: Indel.
Coding change: c.3018_3019delinsAA on transcript NM_001130987.2 (MANE Select); coding-DNA positions 3018 to 3019, CC replaced by AA.
Protein change: p.Cys1006_Pro1007delinsTer.
Molecular consequence: nonsense.
Genome position (GRCh38, 1-based): chr2:71,570,267-71,570,268, CC replaced by AA. VCF-style: chr2-71570267-CC-AA. GRCh37 (hg19) VCF-style: chr2-71797397-CC-AA.
Other names: c.2967_2968delinsAA, p.Cys989_Pro990delinsTer (NM_001130455.2, NM_001130983.2); c.2922_2923delinsAA, p.Cys974_Pro975delinsTer (NM_001130976.2, NM_001130977.2); c.2964_2965delinsAA, p.Cys988_Pro989delinsTer (NM_001130978.2, NM_003494.4); c.3057_3058delinsAA, p.Cys1019_Pro1020delinsTer (NM_001130979.2); c.3015_3016delinsAA, p.Cys1005_Pro1006delinsTer (NM_001130980.2, NM_001130981.2); c.3060_3061delinsAA, p.Cys1020_Pro1021delinsTer (NM_001130982.2); c.2925_2926delinsAA, p.Cys975_Pro976delinsTer (NM_001130984.2, NM_001130986.2); c.3018_3019delinsAA, p.Cys1006_Pro1007delinsTer (NM_001130985.2).
Identifiers: ClinVar variation 1068508 (VCV001068508.10), dbSNP rs2152814567, ClinGen allele CA2499216214.
Genomic context (GRCh38, chr2:71,570,267, plus strand): 5'-GCCTGTTCGGTTTTGTCCTTAGAACGGGGAGAAGGTGCTTCCCAAGGATGACATTGAGTG[CC>AA]CACTGGGCTGGAAGTGGGAAGATGAGGAATGGTCCACAGACCTCAACCGGGCTGTCGATG-3'

ClinVar aggregate classification (germline): Pathogenic (1 of 4 stars; one submission).

Conditions:
Neuromuscular disease caused by qualitative or quantitative defects of dysferlin. Also called: Qualitative or quantitative defects of dysferlin; Dysferlinopathy. Identifiers: Orphanet 207073, MedGen C2931687, MONDO:0016145.

Submission:

Labcorp Genetics (formerly Invitae), Labcorp
Classification: Pathogenic for Neuromuscular disease caused by qualitative or quantitative defects of dysferlin. Last evaluated: 2022-08-31. Review status: criteria provided, single submitter. Criteria: Invitae Variant Classification Sherloc (09022015). Collection method: clinical testing. Allele origin: germline.
Comment: This premature translational stop signal has been observed in individual(s) with limb-girdle muscular dystrophy (PMID: 25868377). Information on the frequency of this variant in the gnomAD database is not available, as this variant may be reported differently in the database. This sequence change creates a premature translational stop signal (p.Cys988*) in the DYSF gene. It is expected to result in an absent or disrupted protein product. Loss-of-function variants in DYSF are known to be pathogenic (PMID: 17698709, 20301480). For these reasons, this variant has been classified as Pathogenic. ClinVar contains an entry for this variant (Variation ID: 1068508).

Literature cited by the submitters: PubMed 25868377; PubMed 17698709; PubMed 20301480.